The following is an entry in ClinVar:

NM_004168.4(SDHA):c.895+2T>C

Gene: SDHA (succinate dehydrogenase complex flavoprotein subunit A; plus strand). Cytogenetic location: 5p15.33.
Variant type: single nucleotide variant.
Coding change: c.895+2T>C on transcript NM_004168.4 (MANE Select); the canonical splice donor site of the intron after coding-DNA position 895, T replaced by C.
Molecular consequence: splice donor variant.
Genome position (GRCh38, 1-based): chr5:231,002, T>C. VCF-style: chr5-231002-T-C. GRCh37 (hg19) VCF-style: chr5-231117-T-C.
Other names: c.895+2T>C (NM_001330758.2); c.751+2T>C (NM_001294332.2).
Identifiers: ClinVar variation 2932887 (VCV002932887.4), dbSNP rs2126568840, ClinGen allele CA359012134.

ClinVar aggregate classification (germline): Likely pathogenic. Review status: criteria provided, multiple submitters, no conflicts (2 of 4 stars). 2 submissions from 2 submitters: Likely pathogenic (2). Last evaluated 2024-08-12.

Conditions:
Pheochromocytoma/paraganglioma syndrome 5. Also called: Paragangliomas 5; SDHA-Related Hereditary Paraganglioma-Pheochromocytoma Syndrome. Identifiers: Orphanet 29072, MedGen C3279992, MONDO:0013602, OMIM 614165.
Mitochondrial complex II deficiency, nuclear type 1. Also called: SUCCINATE CoQ REDUCTASE DEFICIENCY. Identifiers: Orphanet 3208, MedGen C5700310, MONDO:0100294, OMIM 252011.

Submissions (2):

Myriad Genetics, Inc.
Classification: Likely pathogenic for Pheochromocytoma/paraganglioma syndrome 5. Last evaluated: 2024-08-12. Review status: criteria provided, single submitter. Criteria: Myriad Autosomal Dominant, Autosomal Recessive and X-Linked Classification Criteria (2023). Collection method: clinical testing. Allele origin: unknown.
Comment: This variant is considered likely pathogenic. This variant occurs within a consensus splice junction and is predicted to result in abnormal mRNA splicing of either an out-of-frame exon or an in-frame exon necessary for protein stability and/or normal function.

Labcorp Genetics (formerly Invitae), Labcorp
Classification: Likely pathogenic for Pheochromocytoma/paraganglioma syndrome 5; Mitochondrial complex II deficiency, nuclear type 1. Last evaluated: 2023-03-07. Review status: criteria provided, single submitter. Criteria: Invitae Variant Classification Sherloc (09022015). Collection method: clinical testing. Allele origin: germline.
Comment: In summary, the currently available evidence indicates that the variant is pathogenic, but additional data are needed to prove that conclusively. Therefore, this variant has been classified as Likely Pathogenic. Studies have shown that disruption of this splice site results in skipping of exon 7 and introduces a premature termination codon (Invitae). The resulting mRNA is expected to undergo nonsense-mediated decay. This variant has not been reported in the literature in individuals affected with SDHA-related conditions. This variant is not present in population databases (gnomAD no frequency). This sequence change affects a donor splice site in intron 7 of the SDHA gene. RNA analysis indicates that disruption of this splice site induces altered splicing and may result in an absent or disrupted protein product.